The following is an entry in ClinVar:

ClinVar aggregate classification (germline): Uncertain significance (1 of 4 stars; one submission).

Conditions:
Duchenne muscular dystrophy (DMD). Also called: MUSCULAR DYSTROPHY, PSEUDOHYPERTROPHIC PROGRESSIVE, DUCHENNE TYPE; Duchenne Muscular Dystrophy (DMD). Identifiers: Orphanet 98896, MedGen C0013264, MONDO:0010679, OMIM 310200.

Submission:

Labcorp Genetics (formerly Invitae), Labcorp
Classification: Uncertain significance for Duchenne muscular dystrophy. Last evaluated: 2022-04-03. Review status: criteria provided, single submitter. Criteria: Invitae Variant Classification Sherloc (09022015). Collection method: clinical testing. Allele origin: germline.
Comment: This sequence change replaces isoleucine, which is neutral and non-polar, with phenylalanine, which is neutral and non-polar, at codon 1993 of the DMD protein (p.Ile1993Phe). This variant is not present in population databases (gnomAD no frequency). This variant has not been reported in the literature in individuals affected with DMD-related conditions. ClinVar contains an entry for this variant (Variation ID: 642492). Algorithms developed to predict the effect of missense changes on protein structure and function are either unavailable or do not agree on the potential impact of this missense change (SIFT: "Deleterious"; PolyPhen-2: "Benign"; Align-GVGD: "Class C0"). In summary, the available evidence is currently insufficient to determine the role of this variant in disease. Therefore, it has been classified as a Variant of Uncertain Significance.

NM_004006.3(DMD):c.5977A>T (p.Ile1993Phe)

Gene: DMD (dystrophin; minus strand). Cytogenetic location: Xp21.1.
Variant type: single nucleotide variant.
Coding change: c.5977A>T on transcript NM_004006.3 (MANE Select); coding-DNA position 5977, A replaced by T.
Protein change: p.Ile1993Phe; replaces isoleucine 1993 with phenylalanine.
Molecular consequence: missense variant.
Genome position (GRCh38, 1-based): chrX:32,310,222, T>A on the plus strand (A>T on the coding strand, the complement: DMD is on the minus strand). VCF-style: chrX-32310222-T-A. GRCh37 (hg19) VCF-style: chrX-32328339-T-A.
Other names: c.5953A>T, p.Ile1985Phe (NM_000109.4); c.5965A>T, p.Ile1989Phe (NM_004009.3); c.5608A>T, p.Ile1870Phe (NM_004010.3); c.1954A>T, p.Ile652Phe (NM_004011.4); c.1945A>T, p.Ile649Phe (NM_004012.4); short protein forms I1989F, I1870F, I1985F, I1993F, I652F, I649F.
Identifiers: ClinVar variation 642492 (VCV000642492.6), dbSNP rs1187189771, ClinGen allele CA412669981.